The following is an entry in ClinVar:

NM_000094.4(COL7A1):c.5737-3C>A

Gene: COL7A1 (collagen type VII alpha 1 chain; minus strand). Cytogenetic location: 3p21.31.
Variant type: single nucleotide variant.
Coding change: c.5737-3C>A on transcript NM_000094.4 (MANE Select); 3 bases into the intron before coding-DNA position 5737, C replaced by A.
Molecular consequence: intron variant.
Genome position (GRCh38, 1-based): chr3:48,576,438, G>T on the plus strand (C>A on the coding strand, the complement: COL7A1 is on the minus strand). VCF-style: chr3-48576438-G-T. GRCh37 (hg19) VCF-style: chr3-48613871-G-T.
Other names: c.5737-3C>A (NM_000094.3).
Identifiers: ClinVar variation 1479357 (VCV001479357.7), dbSNP rs1345409176, ClinGen allele CA2573137017.

ClinVar aggregate classification (germline): Uncertain significance. Review status: criteria provided, single submitter (1 of 4 stars). 2 submissions from 2 submitters: Uncertain significance (1). 1 of the submissions does not count toward it. Last evaluated 2021-05-29.

Conditions:
Epidermolysis bullosa dystrophica. Also called: Dystrophic epidermolysis bullosa, Hallopeau-Siemens type (formerly); Dystrophic epidermolysis bullosa. Identifiers: Orphanet 303, MedGen C0079294, MONDO:0006543.

Submissions (2):

Labcorp Genetics (formerly Invitae), Labcorp
Classification: Uncertain significance. Last evaluated: 2021-05-29. Review status: criteria provided, single submitter. Criteria: Invitae Variant Classification Sherloc (09022015). Collection method: clinical testing. Allele origin: germline.
Comment: This sequence change falls in intron 68 of the COL7A1 gene. It does not directly change the encoded amino acid sequence of the COL7A1 protein. It affects a nucleotide within the consensus splice site of the intron. This variant is not present in population databases (ExAC no frequency). This variant has not been reported in the literature in individuals with COL7A1-related conditions. Nucleotide substitutions within the consensus splice site are a relatively common cause of aberrant splicing (PMID: 17576681, 9536098). Algorithms developed to predict the effect of sequence changes on RNA splicing suggest that this variant may disrupt the consensus splice site, but this prediction has not been confirmed by published transcriptional studies. In summary, the available evidence is currently insufficient to determine the role of this variant in disease. Therefore, it has been classified as a Variant of Uncertain Significance.

Natera, Inc.
Classification: Uncertain significance for Dystrophic epidermolysis bullosa. Last evaluated: 2025-04-10. Review status: no assertion criteria provided. Collection method: clinical testing. Allele origin: germline. Not counted in ClinVar's aggregate classification.

Literature cited by the submitters: PubMed 17576681 (cited by Labcorp Genetics (formerly Invitae), Labcorp); PubMed 9536098 (cited by Labcorp Genetics (formerly Invitae), Labcorp).